The following is an entry in ClinVar:

NM_001008216.2(GALE):c.632A>G (p.Tyr211Cys)

Gene: GALE (UDP-galactose-4-epimerase; minus strand). Cytogenetic location: 1p36.11.
Variant type: single nucleotide variant.
Coding change: c.632A>G on transcript NM_001008216.2 (MANE Select); coding-DNA position 632, A replaced by G.
Protein change: p.Tyr211Cys; replaces tyrosine 211 with cysteine.
Molecular consequence: missense variant.
Genome position (GRCh38, 1-based): chr1:23,797,044, T>C on the plus strand (A>G on the coding strand, the complement: GALE is on the minus strand). VCF-style: chr1-23797044-T-C. GRCh37 (hg19) VCF-style: chr1-24123534-T-C.
Other names: c.632A>G, p.Tyr211Cys (NM_000403.4, NM_001127621.2); short protein forms Y211C.
Identifiers: ClinVar variation 2581627 (VCV002581627.1), dbSNP rs1007328278, ClinGen allele CA19279369.
Genomic context (GRCh38, chr1:23,797,044, plus strand): 5'-ACCAGCTTTAACCCCAGGGCCACTCCTCTGTCCCTTCCCTTTTGCCTTACCTGGGAGACA[T>C]AAGGCATGAGGTTGTTGGGTATGCCCTGGGGATCCTCACCAATGCAGCCAGAGGCATGGG-3'
Protein context (NP_001008217.1, residues 201-221): PQGIPNNLMP[Tyr211Cys]VSQVAIGRRE

ClinVar aggregate classification (germline): Uncertain significance (1 of 4 stars; one submission).

Allele frequency attached by ClinVar (database versions not stated): gnomAD exomes below 0.00001; TOPMed below 0.00001.

Submission:

Women's Health and Genetics/Laboratory Corporation of America, LabCorp
Classification: Uncertain significance. Last evaluated: 2023-08-10. Review status: criteria provided, single submitter. Criteria: LabCorp Variant Classification Summary - May 2015. Collection method: clinical testing. Allele origin: germline.
Comment: Variant summary: GALE c.632A>G (p.Tyr211Cys) results in a non-conservative amino acid change located in the NAD(P)-binding domain (IPR016040) of the encoded protein sequence. Five of five in-silico tools predict a damaging effect of the variant on protein function. The variant was absent in 249206 control chromosomes. The available data on variant occurrences in the general population are insufficient to allow any conclusion about variant significance. c.632A>G has been reported in the literature in individuals affected with UDPglucose-4-Epimerase Deficiency (Gale_2022). This report does not provide unequivocal conclusions about association of the variant with UDPglucose-4-Epimerase Deficiency. To our knowledge, no experimental evidence demonstrating an impact on protein function has been reported. The following publication have been ascertained in the context of this evaluation (PMID: 36056436). No submitters have cited clinical-significance assessments for this variant to ClinVar after 2014. Based on the evidence outlined above, the variant was classified as uncertain significance.

Literature cited by the submitters: PubMed 36056436.